The following is an entry in ClinVar:

ClinVar aggregate classification (germline): Uncertain significance (1 of 4 stars; one submission).

gnomAD v4.1: 4 of 1,305,900 alleles (0.00031%); highest among the groups gnomAD compares: Non-Finnish European, 0.0004%; no homozygotes.

Submission:

Labcorp Genetics (formerly Invitae), Labcorp
Classification: Uncertain significance. Last evaluated: 2024-11-25. Review status: criteria provided, single submitter. Criteria: Invitae Variant Classification Sherloc (09022015). Collection method: clinical testing. Allele origin: germline.
Comment: This sequence change replaces serine, which is neutral and polar, with glycine, which is neutral and non-polar, at codon 1065 of the ERCC6L2 protein (p.Ser1065Gly). This variant is not present in population databases (gnomAD no frequency). This variant has not been reported in the literature in individuals affected with ERCC6L2-related conditions. Experimental studies and prediction algorithms are not available or were not evaluated, and the functional significance of this variant is currently unknown. In summary, the available evidence is currently insufficient to determine the role of this variant in disease. Therefore, it has been classified as a Variant of Uncertain Significance.

NM_020207.7(ERCC6L2):c.3160A>G (p.Ser1054Gly)

Gene: ERCC6L2 (ERCC excision repair 6 like 2; plus strand). Cytogenetic location: 9q22.32.
Variant type: single nucleotide variant.
Coding change: c.3160A>G on transcript NM_020207.7 (MANE Select); coding-DNA position 3160, A replaced by G.
Protein change: p.Ser1054Gly; replaces serine 1054 with glycine.
Molecular consequence: missense variant. On other transcripts: non-coding transcript variant (1).
Genome position (GRCh38, 1-based): chr9:95,972,911, A>G. VCF-style: chr9-95972911-A-G. GRCh37 (hg19) VCF-style: chr9-98735193-A-G.
Other names: c.3160A>G, p.Ser1054Gly (NM_001375291.1, NM_001375292.1, NM_001375293.1 and 1 more transcripts); short protein forms S1054G.
Identifiers: ClinVar variation 3696827 (VCV003696827.2).
Genomic context (GRCh38, chr9:95,972,911, plus strand): 5'-AACTCTCAGTTTATTGATGATTATTCATCCTCAGATGAGAGTTTATCCGTCAGCCACTTC[A>G]GTTTCTCTAAACAGAGCCACAGACCAAGAACTATAAGAGACAGAACTAGTTTTTCTTCAA-3'
Protein context (NP_064592.3, residues 1044-1064): SDESLSVSHF[Ser1054Gly]FSKQSHRPRT